The following is an entry in ClinVar:

NC_000023.10:g.(?_152037308)_(152037660_?)dup

Gene: NSDHL (NAD(P) dependent steroid dehydrogenase-like; plus strand). Cytogenetic location: Xq28.
Variant type: Duplication.
Identifiers: ClinVar variation 1411999 (VCV001411999.4).

ClinVar aggregate classification (germline): Uncertain significance (1 of 4 stars; one submission).

Submission:

Labcorp Genetics (formerly Invitae), Labcorp
Classification: Uncertain significance. Last evaluated: 2021-08-07. Review status: criteria provided, single submitter. Criteria: Invitae Variant Classification Sherloc (09022015). Collection method: clinical testing. Allele origin: germline.
Comment: In summary, the available evidence is currently insufficient to determine the role of this variant in disease. Therefore, it has been classified as a Variant of Uncertain Significance. Experimental studies and prediction algorithms are not available or were not evaluated, and the functional significance of this variant is currently unknown. This variant has not been reported in the literature in individuals with NSDHL-related conditions. This variant results in a copy number gain of the genomic region encompassing exon(s) 8 of the NSDHL gene. The 5' boundary is likely confined to intron 7. The 3' end of this event is unknown as it extends beyond the assayed region for this gene and therefore may encompass additional genes. As the precise location of this event is unknown, it may be in tandem or it may be located elsewhere in the genome.